The following is an entry in ClinVar:

ClinVar aggregate classification (germline): Uncertain significance (1 of 4 stars; one submission).

Submission:

GeneDx
Classification: Uncertain significance. Last evaluated: 2025-05-21. Review status: criteria provided, single submitter. Criteria: GeneDx Variant Classification Process June 2021. Collection method: clinical testing. Allele origin: germline. Affected: yes.
Comment: Not observed at significant frequency in large population cohorts (gnomAD); In silico analysis suggests that this missense variant does not alter protein structure/function; Has not been previously published as pathogenic or benign to our knowledge

NM_138694.4(PKHD1):c.7303A>G (p.Asn2435Asp)

Gene: PKHD1 (PKHD1 ciliary IPT domain containing fibrocystin/polyductin; minus strand). Cytogenetic location: 6p12.2.
Variant type: single nucleotide variant.
Coding change: c.7303A>G on transcript NM_138694.4 (MANE Select); coding-DNA position 7303, A replaced by G.
Protein change: p.Asn2435Asp; replaces asparagine 2435 with aspartic acid.
Molecular consequence: missense variant.
Genome position (GRCh38, 1-based): chr6:51,883,140, T>C on the plus strand (A>G on the coding strand, the complement: PKHD1 is on the minus strand). VCF-style: chr6-51883140-T-C. GRCh37 (hg19) VCF-style: chr6-51747938-T-C.
Other names: c.7303A>G, p.Asn2435Asp (NM_170724.3); short protein forms N2435D.
Identifiers: ClinVar variation 4530981 (VCV004530981.1).